The following is an entry in ClinVar:

NM_003239.5(TGFB3):c.757G>A (p.Val253Met)

Gene: TGFB3 (transforming growth factor beta 3; minus strand). Cytogenetic location: 14q24.3.
Variant type: single nucleotide variant.
Coding change: c.757G>A on transcript NM_003239.5 (MANE Select); coding-DNA position 757, G replaced by A.
Protein change: p.Val253Met; replaces valine 253 with methionine.
Molecular consequence: missense variant.
Genome position (GRCh38, 1-based): chr14:75,963,485, C>T on the plus strand (G>A on the coding strand, the complement: TGFB3 is on the minus strand). VCF-style: chr14-75963485-C-T. GRCh37 (hg19) VCF-style: chr14-76429828-C-T.
Other names: c.757G>A, p.Val253Met (NM_001329938.2, NM_001329939.2); short protein forms V253M.
Identifiers: ClinVar variation 566598 (VCV000566598.27), dbSNP rs532517095, ClinGen allele CA7280342.

ClinVar aggregate classification (germline): Uncertain significance. Review status: criteria provided, multiple submitters, no conflicts (2 of 4 stars). 5 submissions from 5 submitters: Uncertain significance (5). Last evaluated 2025-12-18.

Conditions:
Arrhythmogenic right ventricular dysplasia 1. Identifiers: Orphanet 3403, MedGen C1862511, MONDO:0007152, OMIM 107970.
Rienhoff syndrome. Also called: LOEYS-DIETZ SYNDROME 5. Identifiers: MedGen C3810012, MONDO:0014262, OMIM 615582.
Familial thoracic aortic aneurysm and aortic dissection (TAAD). Also called: Thoracic aortic aneurysms and dissections. Identifiers: Orphanet 91387, MedGen C4707243, MONDO:0019625.

Allele frequency attached by ClinVar (database versions not stated): ExAC 0.00002; gnomAD exomes 0.00003 and 0.00004; gnomAD 0.00011; TOPMed 0.00014; 1000 Genomes Project 30x 0.00016; 1000 Genomes Project 0.00020.
gnomAD v4.1: 81 of 1,614,130 alleles (0.005%); highest among the groups gnomAD compares: African/African-American, 0.057%; no homozygotes.

Submissions (5):

Labcorp Genetics (formerly Invitae), Labcorp
Classification: Uncertain significance for Rienhoff syndrome. Last evaluated: 2025-12-18. Review status: criteria provided, single submitter. Criteria: Invitae Variant Classification Sherloc (09022015). Collection method: clinical testing. Allele origin: germline.
Comment: This sequence change replaces valine, which is neutral and non-polar, with methionine, which is neutral and non-polar, at codon 253 of the TGFB3 protein (p.Val253Met). This variant is present in population databases (rs532517095, gnomAD 0.03%). This variant has not been reported in the literature in individuals affected with TGFB3-related conditions. ClinVar contains an entry for this variant (Variation ID: 566598). An algorithm developed to predict the effect of missense changes on protein structure and function outputs the following: PolyPhen-2: "Benign". The methionine amino acid residue is found in multiple mammalian species, which suggests that this missense change does not adversely affect protein function. In summary, the available evidence is currently insufficient to determine the role of this variant in disease. Therefore, it has been classified as a Variant of Uncertain Significance.

Ambry Genetics
Classification: Uncertain significance for Familial thoracic aortic aneurysm and aortic dissection. Last evaluated: 2024-11-05. Review status: criteria provided, single submitter. Criteria: Ambry Variant Classification Scheme 2023. Collection method: clinical testing. Allele origin: germline.
Comment: The p.V253M variant (also known as c.757G>A), located in coding exon 5 of the TGFB3 gene, results from a G to A substitution at nucleotide position 757. The valine at codon 253 is replaced by methionine, an amino acid with highly similar properties. This amino acid position is not well conserved in available vertebrate species. In addition, this alteration is predicted to be tolerated by in silico analysis. Since supporting evidence is limited at this time, the clinical significance of this alteration remains unclear.

GeneDx
Classification: Uncertain significance. Last evaluated: 2024-05-21. Review status: criteria provided, single submitter. Criteria: GeneDx Variant Classification Process June 2021. Collection method: clinical testing. Allele origin: germline. Affected: yes.
Comment: Has not been previously published as pathogenic or benign to our knowledge; In silico analysis indicates that this missense variant does not alter protein structure/function

Fulgent Genetics
Classification: Uncertain significance for Arrhythmogenic right ventricular dysplasia 1; Rienhoff syndrome. Last evaluated: 2021-09-14. Review status: criteria provided, single submitter. Criteria: ACMG Guidelines, 2015. Collection method: clinical testing. Allele origin: unknown.

ARUP Laboratories, Molecular Genetics and Genomics, ARUP Laboratories
Classification: Uncertain significance. Last evaluated: 2020-03-18. Review status: criteria provided, single submitter. Criteria: ARUP Molecular Germline Variant Investigation Process. Collection method: clinical testing. Allele origin: germline.
Comment: The TGFB3 c.757G>A; p.Val253Met variant (rs532517095), to our knowledge, is not reported in the medical literature but is reported in ClinVar (Variation ID: 566598). This variant is found in the African population with an overall allele frequency of 0.03% (8/24966 alleles) in the Genome Aggregation Database. The valine at codon 253 is moderately conserved, and computational analyses (SIFT, PolyPhen-2) predict that this variant is tolerated. However, due to limited information, the clinical significance of the p.Val253Met variant is uncertain at this time.